The following is an entry in ClinVar:

ClinVar aggregate classification (germline): Likely benign (1 of 4 stars; one submission).

Conditions:
SMS-related disorder. Also called: SMS-related condition.

Submission:

PreventionGenetics, part of Exact Sciences
Classification: Likely benign for SMS-related condition. Last evaluated: 2025-01-01. Review status: criteria provided, single submitter. Criteria: ACMG Guidelines, 2015. Collection method: clinical testing. Allele origin: germline.
Comment: This variant is classified as likely benign based on ACMG/AMP sequence variant interpretation guidelines (Richards et al. 2015 PMID: 25741868, with internal and published modifications).

NM_004595.5(SMS):c.360C>A (p.Ile120=)

Gene: SMS (spermine synthase; plus strand). Cytogenetic location: Xp22.11.
Variant type: single nucleotide variant.
Coding change: c.360C>A on transcript NM_004595.5 (MANE Select); coding-DNA position 360, C replaced by A.
Protein change: p.Ile120=; no amino-acid change (isoleucine 120 retained).
Molecular consequence: synonymous variant.
Genome position (GRCh38, 1-based): chrX:21,977,091, C>A. VCF-style: chrX-21977091-C-A. GRCh37 (hg19) VCF-style: chrX-21995209-C-A.
Other names: c.201C>A, p.Ile67= (NM_001258423.2).
Identifiers: ClinVar variation 5002484 (VCV005002484.1).
Genomic context (GRCh38, chrX:21,977,091, plus strand): 5'-AGGTACATTTCTGTTTTTCTCTTTTTCCAGATTACCACCCATAGTGCGAGGAGGAGCCAT[C>A]GACAGATACTGGCCCACCGCCGACGGGCGCCTGGTTGAATATGACATAGATGAAGTGGTA-3'
Protein context (NP_004586.2, residues 110-130): RLPPIVRGGA[Ile120=]DRYWPTADGR